The following is an entry in ClinVar:

ClinVar aggregate classification (germline): Uncertain significance (1 of 4 stars; one submission).

Conditions:
Autosomal dominant epilepsy with auditory features. Identifiers: Orphanet 101046, MedGen C1838062, MONDO:0010898.

Allele frequency attached by ClinVar (database versions not stated): gnomAD 0.00001; gnomAD exomes 0.00001; TOPMed 0.00001.
gnomAD v4.1: 6 of 1,614,060 alleles (0.00037%); highest among the groups gnomAD compares: Non-Finnish European, 0.00051%; no homozygotes.

Submission:

Labcorp Genetics (formerly Invitae), Labcorp
Classification: Uncertain significance for Autosomal dominant epilepsy with auditory features. Last evaluated: 2020-04-14. Review status: criteria provided, single submitter. Criteria: Invitae Variant Classification Sherloc (09022015). Collection method: clinical testing. Allele origin: germline.
Comment: This variant is not present in population databases (ExAC no frequency). In summary, the available evidence is currently insufficient to determine the role of this variant in disease. Therefore, it has been classified as a Variant of Uncertain Significance. Algorithms developed to predict the effect of missense changes on protein structure and function (SIFT, PolyPhen-2, Align-GVGD) all suggest that this variant is likely to be tolerated, but these predictions have not been confirmed by published functional studies and their clinical significance is uncertain. This variant has not been reported in the literature in individuals with LGI1-related conditions. This sequence change replaces glutamine with lysine at codon 423 of the LGI1 protein (p.Gln423Lys). The glutamine residue is moderately conserved and there is a small physicochemical difference between glutamine and lysine.

NM_005097.4(LGI1):c.1267C>A (p.Gln423Lys)

Gene: LGI1 (leucine rich glioma inactivated 1; plus strand). Cytogenetic location: 10q23.33.
Variant type: single nucleotide variant.
Coding change: c.1267C>A on transcript NM_005097.4 (MANE Select); coding-DNA position 1267, C replaced by A.
Protein change: p.Gln423Lys; replaces glutamine 423 with lysine.
Molecular consequence: missense variant. On other transcripts: non-coding transcript variant (1), intron variant (1).
Genome position (GRCh38, 1-based): chr10:93,797,396, C>A. VCF-style: chr10-93797396-C-A. GRCh37 (hg19) VCF-style: chr10-95557153-C-A.
Other names: c.1123C>A, p.Gln375Lys (NM_001308276.2); c.839-353C>A (NM_001308275.2); short protein forms Q423K, Q375K.
Identifiers: ClinVar variation 1038687 (VCV001038687.10), dbSNP rs1337103614, ClinGen allele CA377628753.